The following is an entry in ClinVar:

NM_012431.3(SEMA3E):c.551-4G>A

Gene: SEMA3E (semaphorin 3E; minus strand). Cytogenetic location: 7q21.11.
Variant type: single nucleotide variant.
Coding change: c.551-4G>A on transcript NM_012431.3 (MANE Select); 4 bases into the intron before coding-DNA position 551, G replaced by A.
Molecular consequence: intron variant.
Genome position (GRCh38, 1-based): chr7:83,408,491, C>T on the plus strand (G>A on the coding strand, the complement: SEMA3E is on the minus strand). VCF-style: chr7-83408491-C-T. GRCh37 (hg19) VCF-style: chr7-83037807-C-T.
Other names: c.371-4G>A (NM_001178129.2); c.551-4G>A (NM_012431.2).
Identifiers: ClinVar variation 1667503 (VCV001667503.10), dbSNP rs1788369989, ClinGen allele CA1721680106.

ClinVar aggregate classification (germline): Likely benign. Review status: criteria provided, single submitter (1 of 4 stars). 2 submissions from 2 submitters: Likely benign (1). 1 of the submissions does not count toward it. Last evaluated 2022-07-29.

Conditions:
CHARGE syndrome (CHARGE). Also called: Coloboma, heart anomaly, choanal atresia, retardation, genital and ear anomalies; CHARGE association; Hall-Hittner syndrome; Hittner Hirsch Kreh syndrome; CHARGE ASSOCIATION--COLOBOMA, HEART ANOMALY, CHOANAL ATRESIA, RETARDATION, GENITAL AND EAR ANOMALIES. Identifiers: Orphanet 138, MedGen C0265354, MONDO:0008965.
SEMA3E-related disorder. Also called: SEMA3E-related condition.

Allele frequency attached by ClinVar (database versions not stated): TOPMed below 0.00001; gnomAD exomes 0.00001.
gnomAD v4.1: 7 of 1,613,546 alleles (0.00043%); highest among the groups gnomAD compares: Non-Finnish European, 0.00059%; no homozygotes.

Submissions (2):

Labcorp Genetics (formerly Invitae), Labcorp
Classification: Likely benign for CHARGE syndrome. Last evaluated: 2022-07-29. Review status: criteria provided, single submitter. Criteria: Invitae Variant Classification Sherloc (09022015). Collection method: clinical testing. Allele origin: germline.

PreventionGenetics, part of Exact Sciences
Classification: Likely benign for SEMA3E-related condition. Last evaluated: 2021-09-07. Review status: no assertion criteria provided. Collection method: clinical testing. Allele origin: germline. Not counted in ClinVar's aggregate classification.
Comment: This variant is classified as likely benign based on ACMG/AMP sequence variant interpretation guidelines (Richards et al. 2015 PMID: 25741868, with internal and published modifications).